The following is an entry in ClinVar:

ClinVar aggregate classification (germline): Pathogenic (1 of 4 stars; one submission).

Submission:

Labcorp Genetics (formerly Invitae), Labcorp
Classification: Pathogenic. Last evaluated: 2024-02-09. Review status: criteria provided, single submitter. Criteria: Invitae Variant Classification Sherloc (09022015). Collection method: clinical testing. Allele origin: germline.
Comment: This sequence change creates a premature translational stop signal (p.Ser1053*) in the ABCC2 gene. It is expected to result in an absent or disrupted protein product. Loss-of-function variants in ABCC2 are known to be pathogenic (PMID: 9185779, 16549534, 16952291). This variant is not present in population databases (gnomAD no frequency). This variant has not been reported in the literature in individuals affected with ABCC2-related conditions. For these reasons, this variant has been classified as Pathogenic.

Literature cited by the submitters: PubMed 9185779; PubMed 16549534; PubMed 16952291.

NM_000392.5(ABCC2):c.3158C>G (p.Ser1053Ter)

Gene: ABCC2 (ATP binding cassette subfamily C member 2; plus strand). Cytogenetic location: 10q24.2.
Variant type: single nucleotide variant.
Coding change: c.3158C>G on transcript NM_000392.5 (MANE Select); coding-DNA position 3158, C replaced by G.
Protein change: p.Ser1053Ter; replaces serine 1053 with a stop codon.
Molecular consequence: nonsense.
Genome position (GRCh38, 1-based): chr10:99,832,031, C>G. VCF-style: chr10-99832031-C-G. GRCh37 (hg19) VCF-style: chr10-101591788-C-G.
Other names: short protein forms S1053*.
Identifiers: ClinVar variation 3639879 (VCV003639879.2).